The following is an entry in ClinVar:

ClinVar aggregate classification (germline): Uncertain significance (1 of 4 stars; one submission).

gnomAD v4.1: 1 of 1,589,574 alleles (0.000063%); highest among the groups gnomAD compares: Non-Finnish European, 0.000085%; no homozygotes.

Submission:

Labcorp Genetics (formerly Invitae), Labcorp
Classification: Uncertain significance. Last evaluated: 2022-06-15. Review status: criteria provided, single submitter. Criteria: Invitae Variant Classification Sherloc (09022015). Collection method: clinical testing. Allele origin: germline.
Comment: In summary, the available evidence is currently insufficient to determine the role of this variant in disease. Therefore, it has been classified as a Variant of Uncertain Significance. This sequence change replaces isoleucine, which is neutral and non-polar, with threonine, which is neutral and polar, at codon 242 of the C7 protein (p.Ile242Thr). This variant is not present in population databases (gnomAD no frequency). This variant has not been reported in the literature in individuals affected with C7-related conditions. Algorithms developed to predict the effect of missense changes on protein structure and function output the following: SIFT: "Tolerated"; PolyPhen-2: "Benign"; Align-GVGD: "Class C0". The threonine amino acid residue is found in multiple mammalian species, which suggests that this missense change does not adversely affect protein function.

NM_000587.4(C7):c.725T>C (p.Ile242Thr)

Gene: C7 (complement C7; plus strand). Cytogenetic location: 5p13.1.
Variant type: single nucleotide variant.
Coding change: c.725T>C on transcript NM_000587.4 (MANE Select); coding-DNA position 725, T replaced by C.
Protein change: p.Ile242Thr; replaces isoleucine 242 with threonine.
Molecular consequence: missense variant.
Genome position (GRCh38, 1-based): chr5:40,945,355, T>C. VCF-style: chr5-40945355-T-C. GRCh37 (hg19) VCF-style: chr5-40945457-T-C.
Other names: short protein forms I242T.
Identifiers: ClinVar variation 2007033 (VCV002007033.4), dbSNP rs1391624784, ClinGen allele CA359581888.
Genomic context (GRCh38, chr5:40,945,355, plus strand): 5'-GCTCCTTTTTTAGATCTTCATCATCTTCTTCACGCAGTTATACTTCACATACCAATGAAA[T>C]CCATAAAGGAAAGGTTAGTATAAAATGTCAGTTAACTTTTCCATGTTTTACTTTTTTAAG-3'
Protein context (NP_000578.2, residues 232-252): SRSYTSHTNE[Ile242Thr]HKGKSYQLLV